The following is an entry in ClinVar:

ClinVar aggregate classification (germline): Benign. Review status: criteria provided, multiple submitters, no conflicts (2 of 4 stars). 3 submissions from 3 submitters: Benign (2). 1 of the submissions does not count toward it. Last evaluated 2019-12-31.

Conditions:
LRP1B-related disorder. Also called: LRP1B-related condition.

Allele frequency attached by ClinVar (database versions not stated): gnomAD exomes 0.00052 and 0.00126; ExAC 0.00161; gnomAD 0.00547 and 0.00595; ESP Exome Variant Server 0.00677; TOPMed 0.00587; 1000 Genomes Project 30x 0.00515; 1000 Genomes Project 0.00499.
gnomAD v4.1: 1,606 of 1,590,502 alleles (0.1%); highest among the groups gnomAD compares: African/African-American, 1.9%; 17 homozygotes.

Submissions (3):

Labcorp Genetics (formerly Invitae), Labcorp
Classification: Benign. Last evaluated: 2019-12-31. Review status: criteria provided, single submitter. Criteria: Invitae Variant Classification Sherloc (09022015). Collection method: clinical testing. Allele origin: germline.

Breakthrough Genomics
Classification: Benign. Review status: criteria provided, single submitter. Criteria: ACMG Guidelines, 2015. Collection method: not provided. Allele origin: germline. Inheritance: Unknown mechanism. Affected: yes.

PreventionGenetics, part of Exact Sciences
Classification: Benign for LRP1B-related condition. Last evaluated: 2019-07-12. Review status: no assertion criteria provided. Collection method: clinical testing. Allele origin: germline. Not counted in ClinVar's aggregate classification.
Comment: This variant is classified as benign based on ACMG/AMP sequence variant interpretation guidelines (Richards et al. 2015 PMID: 25741868, with internal and published modifications).

NM_018557.3(LRP1B):c.8043A>G (p.Lys2681=)

Gene: LRP1B (LDL receptor related protein 1B; minus strand). Cytogenetic location: 2q22.1.
Variant type: single nucleotide variant.
Coding change: c.8043A>G on transcript NM_018557.3 (MANE Select); coding-DNA position 8043, A replaced by G.
Protein change: p.Lys2681=; no amino-acid change (lysine 2681 retained).
Molecular consequence: synonymous variant.
Genome position (GRCh38, 1-based): chr2:140,516,995, T>C on the plus strand (A>G on the coding strand, the complement: LRP1B is on the minus strand). VCF-style: chr2-140516995-T-C. GRCh37 (hg19) VCF-style: chr2-141274564-T-C.
Identifiers: ClinVar variation 785979 (VCV000785979.7), dbSNP rs1385772, ClinGen allele CA1894107.